The following is an entry in ClinVar:

ClinVar aggregate classification (germline): Likely pathogenic (1 of 4 stars; one submission).

Conditions:
Dyskeratosis congenita, autosomal recessive 6 (DKCB6). Identifiers: MedGen C4225356, MONDO:0014600, OMIM 616353.

Submission:

Dasa
Classification: Likely pathogenic for dyskeratosis congenita, autosomal recessive 6. Last evaluated: 2026-04-22. Review status: criteria provided, single submitter. Criteria: DASA Assertion Criteria. Collection method: clinical testing. Allele origin: germline.
Comment: NM_002582.4(PARN):c.1608_1614del (p.Lys537*) is a frameshift variant in PARN predicted to alter the reading frame and introduce a premature termination codon and is predicted to result in an absent or altered protein product. Loss of function is an established disease mechanism for PARN-associated disorders. Also, this variant is absent from population databases. Based on the currently available evidence, this variant is classified as likely pathogenic.

NM_002582.4(PARN):c.1608_1614del (p.Ser536_Lys537insTer)

Gene: PARN (poly(A)-specific ribonuclease; minus strand). Cytogenetic location: 16p13.12.
Variant type: Deletion.
Coding change: c.1608_1614del on transcript NM_002582.4 (MANE Select); coding-DNA positions 1608 to 1614, 7 bases deleted (CAAACGG; older notation c.1608_1614delCAAACGG).
Protein change: p.Ser536_Lys537insTer.
Molecular consequence: frameshift variant.
Genome position (GRCh38, 1-based): chr16:14,482,694-14,482,700, CCGTTTG deleted on the plus strand (CAAACGG on the coding strand, the reverse complement: PARN is on the minus strand); deleting any 7 consecutive bases within chr16:14,482,694-14,482,701 gives the same sequence; the c. name uses the placement nearest the transcript's 3' end. VCF-style (leftmost placement, unchanged base first): chr16-14482693-ACCGTTTG-A. GRCh37 (hg19) VCF-style: chr16-14576550-ACCGTTTG-A.
Other names: c.1425_1431del, p.Ser475_Lys476insTer (NM_001134477.3); c.1470_1476del, p.Ser490_Lys491insTer (NM_001242992.2).
Identifiers: ClinVar variation 4880777 (VCV004880777.2).